The following is an entry in ClinVar:

ClinVar aggregate classification (germline): Uncertain significance (1 of 4 stars; one submission).

Conditions:
Inborn genetic diseases. Identifiers: MedGen C0950123, MeSH D030342.

Allele frequency attached by ClinVar (database versions not stated): TOPMed 0.00001; gnomAD exomes 0.00002.
gnomAD v4.1: 31 of 1,608,616 alleles (0.0019%); highest among the groups gnomAD compares: Non-Finnish European, 0.0025%; no homozygotes.

Submission:

Ambry Genetics
Classification: Uncertain significance for Inborn genetic diseases. Last evaluated: 2022-09-24. Review status: criteria provided, single submitter. Criteria: Ambry Variant Classification Scheme 2023. Collection method: clinical testing. Allele origin: germline.
Comment: The p.M613T variant (also known as c.1838T>C), located in coding exon 6 of the SMPD1 gene, results from a T to C substitution at nucleotide position 1838. The methionine at codon 613 is replaced by threonine, an amino acid with similar properties. This amino acid position is conserved. In addition, this alteration is predicted to be tolerated by in silico analysis. Since supporting evidence is limited at this time, the clinical significance of this alteration remains unclear.

NM_000543.5(SMPD1):c.1838T>C (p.Met613Thr)

Gene: SMPD1 (sphingomyelin phosphodiesterase 1; plus strand). Cytogenetic location: 11p15.4.
Variant type: single nucleotide variant.
Coding change: c.1838T>C on transcript NM_000543.5 (MANE Select); coding-DNA position 1838, T replaced by C.
Protein change: p.Met613Thr; replaces methionine 613 with threonine.
Molecular consequence: missense variant. On other transcripts: 3 prime UTR variant (1), non-coding transcript variant (2).
Genome position (GRCh38, 1-based): chr11:6,394,549, T>C. VCF-style: chr11-6394549-T-C. GRCh37 (hg19) VCF-style: chr11-6415779-T-C.
Other names: c.1835T>C, p.Met612Thr (NM_001007593.3); c.*331T>C (NM_001318087.2); c.917T>C, p.Met306Thr (NM_001318088.2); c.1706T>C, p.Met569Thr (NM_001365135.2); short protein forms M612T, M613T, M569T, M306T.
Identifiers: ClinVar variation 1781084 (VCV001781084.2), dbSNP rs1406342085, ClinGen allele CA379377307.